The following is an entry in ClinVar:

ClinVar aggregate classification (germline): Uncertain significance. Review status: criteria provided, multiple submitters, no conflicts (2 of 4 stars). 2 submissions from 2 submitters: Uncertain significance (2). Last evaluated 2025-07-17.

Conditions:
Inborn genetic diseases. Identifiers: MedGen C0950123, MeSH D030342.
PCNT-related disorder. Also called: PCNT-related condition.

Allele frequency attached by ClinVar (database versions not stated): gnomAD exomes below 0.00001; ExAC 0.00001.
gnomAD v4.1: 3 of 1,613,988 alleles (0.00019%); highest among the groups gnomAD compares: Non-Finnish European, 0.00017%; no homozygotes.

Submissions (2):

PreventionGenetics, part of Exact Sciences
Classification: Uncertain significance for PCNT-related condition. Last evaluated: 2025-07-17. Review status: criteria provided, single submitter. Criteria: ACMG Guidelines, 2015. Collection method: clinical testing. Allele origin: germline.
Comment: The PCNT c.8383A>G variant is predicted to result in the amino acid substitution p.Lys2795Glu. To our knowledge, this variant has not been reported in the literature. This variant is reported in 0.00088% of alleles in individuals of European (Non-Finnish) descent in gnomAD. At this time, the clinical significance of this variant is uncertain due to the absence of conclusive functional and genetic evidence.

Ambry Genetics
Classification: Uncertain significance for Inborn genetic diseases. Last evaluated: 2021-12-07. Review status: criteria provided, single submitter. Criteria: Ambry Variant Classification Scheme 2023. Collection method: clinical testing. Allele origin: germline.

NM_006031.6(PCNT):c.8383A>G (p.Lys2795Glu)

Gene: PCNT (pericentrin; plus strand). Cytogenetic location: 21q22.3.
Variant type: single nucleotide variant.
Coding change: c.8383A>G on transcript NM_006031.6 (MANE Select); coding-DNA position 8383, A replaced by G.
Protein change: p.Lys2795Glu; replaces lysine 2795 with glutamic acid.
Molecular consequence: missense variant.
Genome position (GRCh38, 1-based): chr21:46,431,847, A>G. VCF-style: chr21-46431847-A-G. GRCh37 (hg19) VCF-style: chr21-47851761-A-G.
Other names: c.8029A>G, p.Lys2677Glu (NM_001315529.2); short protein forms K2677E, K2795E.
Identifiers: ClinVar variation 2266297 (VCV002266297.3), dbSNP rs1556001375, ClinGen allele CA10080957.